The following is an entry in ClinVar:

NM_023110.3(FGFR1):c.2305C>T (p.Leu769=)

Gene: FGFR1 (fibroblast growth factor receptor 1; minus strand). Cytogenetic location: 8p11.23.
Variant type: single nucleotide variant.
Coding change: c.2305C>T on transcript NM_023110.3 (MANE Select); coding-DNA position 2305, C replaced by T.
Protein change: p.Leu769=; no amino-acid change (leucine 769 retained).
Molecular consequence: synonymous variant. On other transcripts: intron variant (3).
Genome position (GRCh38, 1-based): chr8:38,413,792, G>A on the plus strand (C>T on the coding strand, the complement: FGFR1 is on the minus strand). VCF-style: chr8-38413792-G-A. GRCh37 (hg19) VCF-style: chr8-38271310-G-A.
Other names: c.2305C>T, p.Leu769= (NM_000604.2); c.2299C>T, p.Leu767= (NM_001174063.2, NM_001174065.2, NM_015850.4); c.2275C>T, p.Leu759= (NM_001174064.2); c.2038C>T, p.Leu680= (NM_001174066.2, NM_023105.3); c.2398C>T, p.Leu800= (NM_001174067.2); c.2026C>T, p.Leu676= (NM_001354368.2); c.2293C>T, p.Leu765= (NM_001410922.1); c.2032C>T, p.Leu678= (NM_023106.3); and 3 more.
Identifiers: ClinVar variation 2571312 (VCV002571312.27), dbSNP rs2956723, ClinGen allele CA460499127.

ClinVar aggregate classification (germline): Likely benign (1 of 4 stars; one submission).

Submission:

CeGaT Center for Human Genetics Tuebingen
Classification: Likely benign. Last evaluated: 2023-05-01. Review status: criteria provided, single submitter. Criteria: CeGaT Center For Human Genetics Tuebingen Variant Classification Criteria Version 2. Collection method: clinical testing. Allele origin: germline. Affected: yes. Observed: 1 variant allele.
Comment: FGFR1: PM2:Supporting, BP4, BP7